The following is an entry in ClinVar:

NM_002335.4(LRP5):c.758C>A (p.Thr253Lys)

Gene: LRP5 (LDL receptor related protein 5; plus strand). Cytogenetic location: 11q13.2.
Variant type: single nucleotide variant.
Coding change: c.758C>A on transcript NM_002335.4 (MANE Select); coding-DNA position 758, C replaced by A.
Protein change: p.Thr253Lys; replaces threonine 253 with lysine.
Molecular consequence: missense variant. On other transcripts: 5 prime UTR variant (1).
Genome position (GRCh38, 1-based): chr11:68,363,818, C>A. VCF-style: chr11-68363818-C-A. GRCh37 (hg19) VCF-style: chr11-68131286-C-A.
Other names: c.-1008C>A (NM_001291902.2); short protein forms T253K.
Identifiers: ClinVar variation 1394905 (VCV001394905.6), dbSNP rs121908673, ClinGen allele CA381611045.

ClinVar aggregate classification (germline): Uncertain significance (1 of 4 stars; one submission).

Submission:

Labcorp Genetics (formerly Invitae), Labcorp
Classification: Uncertain significance. Last evaluated: 2023-10-13. Review status: criteria provided, single submitter. Criteria: Invitae Variant Classification Sherloc (09022015). Collection method: clinical testing. Allele origin: germline.
Comment: This sequence change replaces threonine, which is neutral and polar, with lysine, which is basic and polar, at codon 253 of the LRP5 protein (p.Thr253Lys). This variant is not present in population databases (gnomAD no frequency). This variant has not been reported in the literature in individuals affected with LRP5-related conditions. ClinVar contains an entry for this variant (Variation ID: 1394905). Advanced modeling of protein sequence and biophysical properties (such as structural, functional, and spatial information, amino acid conservation, physicochemical variation, residue mobility, and thermodynamic stability) performed at Invitae indicates that this missense variant is expected to disrupt LRP5 protein function. In summary, the available evidence is currently insufficient to determine the role of this variant in disease. Therefore, it has been classified as a Variant of Uncertain Significance.